The following is an entry in ClinVar:

ClinVar aggregate classification (germline): Uncertain significance. Review status: criteria provided, multiple submitters, no conflicts (2 of 4 stars). 4 submissions from 4 submitters: Uncertain significance (2). 2 of the submissions do not count toward it. Last evaluated 2025-11-22.

Conditions:
Hereditary cancer-predisposing syndrome. Also called: Tumor predisposition; Hereditary neoplastic syndrome; Neoplastic Syndromes, Hereditary; Hereditary Cancer Syndrome. Identifiers: Orphanet 140162, MedGen C0027672, MeSH D009386, MONDO:0015356.
Bloom syndrome (BLM). Also called: Bloom-Torre-Machacek syndrome. Identifiers: Orphanet 125, MedGen C0005859, MONDO:0008876, OMIM 210900.

Allele frequency attached by ClinVar (database versions not stated): gnomAD exomes below 0.00001.
gnomAD v4.1: 2 of 1,614,202 alleles (0.00012%); highest among the groups gnomAD compares: East Asian, 0.0022%; no homozygotes.

Submissions (4):

Labcorp Genetics (formerly Invitae), Labcorp
Classification: Uncertain significance for Bloom syndrome. Last evaluated: 2025-11-22. Review status: criteria provided, single submitter. Criteria: Invitae Variant Classification Sherloc (09022015). Collection method: clinical testing. Allele origin: germline.
Comment: This sequence change replaces isoleucine, which is neutral and non-polar, with threonine, which is neutral and polar, at codon 953 of the BLM protein (p.Ile953Thr). This variant is not present in population databases (gnomAD no frequency). This variant has not been reported in the literature in individuals affected with BLM-related conditions. ClinVar contains an entry for this variant (Variation ID: 133699). Invitae Evidence Modeling of protein sequence and biophysical properties (such as structural, functional, and spatial information, amino acid conservation, physicochemical variation, residue mobility, and thermodynamic stability) indicates that this missense variant is expected to disrupt BLM protein function with a positive predictive value of 80%. In summary, the available evidence is currently insufficient to determine the role of this variant in disease. Therefore, it has been classified as a Variant of Uncertain Significance.

Ambry Genetics
Classification: Uncertain significance for Hereditary cancer-predisposing syndrome. Last evaluated: 2025-08-09. Review status: criteria provided, single submitter. Criteria: Ambry Variant Classification Scheme 2023. Collection method: clinical testing. Allele origin: germline.
Comment: The p.I953T variant (also known as c.2858T>C), located in coding exon 14 of the BLM gene, results from a T to C substitution at nucleotide position 2858. The isoleucine at codon 953 is replaced by threonine, an amino acid with similar properties. This amino acid position is highly conserved in available vertebrate species. In addition, this alteration is predicted to be deleterious by in silico analysis. Since supporting evidence is limited at this time, the clinical significance of this alteration remains unclear.

Natera, Inc.
Classification: Uncertain significance for Bloom syndrome. Last evaluated: 2021-07-20. Review status: no assertion criteria provided. Collection method: clinical testing. Allele origin: germline. Not counted in ClinVar's aggregate classification.

ITMI
No classification provided. Condition: AllHighlyPenetrant. Last evaluated: 2013-09-19. Review status: no classification provided. Collection method: reference population. Allele origin: germline. Not counted in ClinVar's aggregate classification.
Comment: Please see associated publication for description of ethnicities

Literature cited by the submitters: PubMed 24728327 (cited by ITMI).

NM_000057.4(BLM):c.2858T>C (p.Ile953Thr)

Gene: BLM (BLM RecQ like helicase; plus strand). Cytogenetic location: 15q26.1.
Variant type: single nucleotide variant.
Coding change: c.2858T>C on transcript NM_000057.4 (MANE Select); coding-DNA position 2858, T replaced by C.
Protein change: p.Ile953Thr; replaces isoleucine 953 with threonine.
Molecular consequence: missense variant.
Genome position (GRCh38, 1-based): chr15:90,790,683, T>C. VCF-style: chr15-90790683-T-C. GRCh37 (hg19) VCF-style: chr15-91333913-T-C.
Other names: c.2858T>C (LRG_20t1); c.2858T>C, p.Ile953Thr (NM_001287246.2, NM_001287247.2); c.1733T>C, p.Ile578Thr (NM_001287248.2); short protein forms I953T, I578T.
Identifiers: ClinVar variation 133699 (VCV000133699.16), dbSNP rs587778102, ClinGen allele CA157388.